The following is an entry in ClinVar:

ClinVar aggregate classification (germline): Uncertain significance. Review status: criteria provided, multiple submitters, no conflicts (2 of 4 stars). 3 submissions from 3 submitters: Uncertain significance (3). Last evaluated 2025-09-14.

Conditions:
Bethlem myopathy 1A. Also called: MYOPATHY, BENIGN CONGENITAL, WITH CONTRACTURES; Bethlem myopathy 1; Bethlem Muscular Dystrophy. Identifiers: Orphanet 610, MedGen CN029274, MONDO:0024530, OMIM 158810.

Allele frequency attached by ClinVar (database versions not stated): gnomAD exomes 0.00005; gnomAD 0.00003 and 0.00004; TOPMed 0.00003; ExAC 0.00004.
gnomAD v4.1: 84 of 1,614,096 alleles (0.0052%); highest among the groups gnomAD compares: Non-Finnish European, 0.0069%; no homozygotes.

Submissions (3):

Labcorp Genetics (formerly Invitae), Labcorp
Classification: Uncertain significance for Bethlem myopathy 1A. Last evaluated: 2025-09-14. Review status: criteria provided, single submitter. Criteria: Invitae Variant Classification Sherloc (09022015). Collection method: clinical testing. Allele origin: germline.
Comment: This sequence change replaces serine, which is neutral and polar, with arginine, which is basic and polar, at codon 1471 of the COL6A3 protein (p.Ser1471Arg). This variant is present in population databases (rs150321587, gnomAD 0.006%). This variant has not been reported in the literature in individuals affected with COL6A3-related conditions. ClinVar contains an entry for this variant (Variation ID: 1509218). Invitae Evidence Modeling of protein sequence and biophysical properties (such as structural, functional, and spatial information, amino acid conservation, physicochemical variation, residue mobility, and thermodynamic stability) indicates that this missense variant is not expected to disrupt COL6A3 protein function with a negative predictive value of 80%. In summary, the available evidence is currently insufficient to determine the role of this variant in disease. Therefore, it has been classified as a Variant of Uncertain Significance.

GeneDx
Classification: Uncertain significance. Last evaluated: 2025-07-24. Review status: criteria provided, single submitter. Criteria: GeneDx Variant Classification Process June 2021. Collection method: clinical testing. Allele origin: germline. Affected: yes.
Comment: In silico analysis suggests that this missense variant does not alter protein structure/function; Has not been previously published as pathogenic or benign to our knowledge

Revvity Omics, Revvity
Classification: Uncertain significance. Last evaluated: 2021-05-26. Review status: criteria provided, single submitter. Criteria: ACMG Guidelines, 2015. Collection method: clinical testing. Allele origin: germline.

NM_004369.4(COL6A3):c.4411A>C (p.Ser1471Arg)

Gene: COL6A3 (collagen type VI alpha 3 chain; minus strand). Cytogenetic location: 2q37.3.
Variant type: single nucleotide variant.
Coding change: c.4411A>C on transcript NM_004369.4 (MANE Select); coding-DNA position 4411, A replaced by C.
Protein change: p.Ser1471Arg; replaces serine 1471 with arginine.
Molecular consequence: missense variant.
Genome position (GRCh38, 1-based): chr2:237,369,052, T>G on the plus strand (A>C on the coding strand, the complement: COL6A3 is on the minus strand). VCF-style: chr2-237369052-T-G. GRCh37 (hg19) VCF-style: chr2-238277695-T-G.
Other names: c.2590A>C, p.Ser864Arg (NM_057166.5); c.3793A>C, p.Ser1265Arg (NM_057167.4); c.4411A>C (NM_004369.3); short protein forms S1471R, S864R, S1265R.
Identifiers: ClinVar variation 1509218 (VCV001509218.9), dbSNP rs150321587, ClinGen allele CA2188900.